The following is an entry in ClinVar:

NM_198506.5(LRIT3):c.589+8C>T

Gene: LRIT3 (leucine rich repeat, Ig-like and transmembrane domains 3; plus strand). Cytogenetic location: 4q25.
Variant type: single nucleotide variant.
Coding change: c.589+8C>T on transcript NM_198506.5 (MANE Select); 8 bases into the intron after coding-DNA position 589, C replaced by T.
Molecular consequence: intron variant.
Genome position (GRCh38, 1-based): chr4:109,851,984, C>T. VCF-style: chr4-109851984-C-T. GRCh37 (hg19) VCF-style: chr4-110773140-C-T.
Other names: c.589+8C>T (NM_198506.4).
Identifiers: ClinVar variation 1106998 (VCV001106998.9), dbSNP rs908593004, ClinGen allele CA103732238.
Genomic context (GRCh38, chr4:109,851,984, plus strand): 5'-AGTTTCAACACCTTCTGGAGTCCTGGACCTTTCCCCAAGCAGGATTATTCTTGGTAAGCT[C>T]GCAAGCCTCTGGGCTTTTCATCTATAGTTACTTTGCTATGCATAGCTTTTTTTGTCCAGT-3'

ClinVar aggregate classification (germline): Likely benign. Review status: criteria provided, single submitter (1 of 4 stars). 2 submissions from 2 submitters: Likely benign (1). 1 of the submissions does not count toward it. Last evaluated 2024-07-31.

Conditions:
LRIT3-related disorder. Also called: LRIT3-related condition.

Allele frequency attached by ClinVar (database versions not stated): gnomAD 0.00001; TOPMed 0.00001; gnomAD exomes 0.00004 and 0.00005.

Submissions (2):

Labcorp Genetics (formerly Invitae), Labcorp
Classification: Likely benign. Last evaluated: 2024-07-31. Review status: criteria provided, single submitter. Criteria: Invitae Variant Classification Sherloc (09022015). Collection method: clinical testing. Allele origin: germline.

PreventionGenetics, part of Exact Sciences
Classification: Likely benign for LRIT3-related condition. Last evaluated: 2020-02-25. Review status: no assertion criteria provided. Collection method: clinical testing. Allele origin: germline. Not counted in ClinVar's aggregate classification.
Comment: This variant is classified as likely benign based on ACMG/AMP sequence variant interpretation guidelines (Richards et al. 2015 PMID: 25741868, with internal and published modifications).